The following is an entry in ClinVar:

NM_001291415.2(KDM6A):c.1736C>G (p.Pro579Arg)

Gene: KDM6A (lysine demethylase 6A; plus strand). Cytogenetic location: Xp11.3.
Variant type: single nucleotide variant.
Coding change: c.1736C>G on transcript NM_001291415.2 (MANE Select); coding-DNA position 1736, C replaced by G.
Protein change: p.Pro579Arg; replaces proline 579 with arginine.
Molecular consequence: missense variant. On other transcripts: non-coding transcript variant (1).
Genome position (GRCh38, 1-based): chrX:45,063,474, C>G. VCF-style: chrX-45063474-C-G. GRCh37 (hg19) VCF-style: chrX-44922719-C-G.
Other names: c.1601C>G, p.Pro534Arg (NM_001291416.2); c.1445C>G, p.Pro482Arg (NM_001291417.2); c.1343C>G, p.Pro448Arg (NM_001291418.2); c.692C>G, p.Pro231Arg (NM_001291421.2); c.1580C>G, p.Pro527Arg (NM_021140.4); c.1580C>G (NM_021140.3); short protein forms P231R, P448R, P482R, P527R, P534R, P579R.
Identifiers: ClinVar variation 1199514 (VCV001199514.5), dbSNP rs1032545459, ClinGen allele CA329046382.

ClinVar aggregate classification (germline): Conflicting classifications of pathogenicity. Review status: criteria provided, conflicting classifications (1 of 4 stars). 3 submissions from 3 submitters: Uncertain significance (2); Likely benign (1). Last evaluated 2025-11-27.

Conditions:
Kabuki syndrome 2 (KABUK2). Also called: KDM6A-Related Kabuki Syndrome. Identifiers: Orphanet 2322, MedGen C3275495, MONDO:0010465, OMIM 300867.

Allele frequency attached by ClinVar (database versions not stated): gnomAD exomes 0.00001; TOPMed 0.00004; gnomAD 0.00005.
gnomAD v4.1: 13 of 1,206,601 alleles (0.0011%); highest among the groups gnomAD compares: Non-Finnish European, 0.0015%; no homozygotes.

Submissions (3):

Labcorp Genetics (formerly Invitae), Labcorp
Classification: Uncertain significance for Kabuki syndrome 2. Last evaluated: 2025-11-27. Review status: criteria provided, single submitter. Criteria: Invitae Variant Classification Sherloc (09022015). Collection method: clinical testing. Allele origin: germline.
Comment: This sequence change replaces proline, which is neutral and non-polar, with arginine, which is basic and polar, at codon 527 of the KDM6A protein (p.Pro527Arg). This variant is present in population databases (no rsID available, gnomAD 0.003%), including at least one homozygous and/or hemizygous individual. This variant has not been reported in the literature in individuals affected with KDM6A-related conditions. ClinVar contains an entry for this variant (Variation ID: 1199514). Invitae Evidence Modeling of protein sequence and biophysical properties (such as structural, functional, and spatial information, amino acid conservation, physicochemical variation, residue mobility, and thermodynamic stability) has been performed for this missense variant. However, the output from this modeling did not meet the statistical confidence thresholds required to predict the impact of this variant on KDM6A protein function. In summary, the available evidence is currently insufficient to determine the role of this variant in disease. Therefore, it has been classified as a Variant of Uncertain Significance.

Fulgent Genetics
Classification: Uncertain significance for Kabuki syndrome 2. Last evaluated: 2024-05-31. Review status: criteria provided, single submitter. Criteria: ACMG Guidelines, 2015. Collection method: clinical testing. Allele origin: germline.

GeneDx
Classification: Likely benign. Last evaluated: 2021-02-12. Review status: criteria provided, single submitter. Criteria: GeneDx Variant Classification Process June 2021. Collection method: clinical testing. Allele origin: germline. Affected: yes.
Comment: Has not been previously published as pathogenic or benign to our knowledge; In silico analysis supports that this missense variant has a deleterious effect on protein structure/function